The following is an entry in ClinVar:

NM_198578.4(LRRK2):c.6360A>C (p.Gln2120His)

Gene: LRRK2 (leucine rich repeat kinase 2; plus strand). Cytogenetic location: 12q12.
Variant type: single nucleotide variant.
Coding change: c.6360A>C on transcript NM_198578.4 (MANE Select); coding-DNA position 6360, A replaced by C.
Protein change: p.Gln2120His; replaces glutamine 2120 with histidine.
Molecular consequence: missense variant.
Genome position (GRCh38, 1-based): chr12:40,348,488, A>C. VCF-style: chr12-40348488-A-C. GRCh37 (hg19) VCF-style: chr12-40742290-A-C.
Other names: short protein forms Q2120H.
Identifiers: ClinVar variation 1753062 (VCV001753062.2), dbSNP rs2499972787, ClinGen allele CA384406235.

ClinVar aggregate classification (germline): Uncertain significance (1 of 4 stars; one submission).

Conditions:
Inborn genetic diseases. Identifiers: MedGen C0950123, MeSH D030342.

Allele frequency attached by ClinVar (database versions not stated): gnomAD exomes below 0.00001.
gnomAD v4.1: 2 of 1,611,974 alleles (0.00012%); highest among the groups gnomAD compares: Non-Finnish European, 0.00017%; no homozygotes.

Submission:

Ambry Genetics
Classification: Uncertain significance for Inborn genetic diseases. Last evaluated: 2022-04-05. Review status: criteria provided, single submitter. Criteria: Ambry Variant Classification Scheme 2023. Collection method: clinical testing. Allele origin: germline.
Comment: The p.Q2120H variant (also known as c.6360A>C), located in coding exon 43 of the LRRK2 gene, results from an A to C substitution at nucleotide position 6360. The glutamine at codon 2120 is replaced by histidine, an amino acid with highly similar properties. This amino acid position is conserved. In addition, this alteration is predicted to be tolerated by in silico analysis. Since supporting evidence is limited at this time, the clinical significance of this alteration remains unclear.